The following is an entry in ClinVar:

ClinVar aggregate classification (germline): Uncertain significance (1 of 4 stars; one submission).

gnomAD v4.1: 2 of 1,614,000 alleles (0.00012%); highest among the groups gnomAD compares: Admixed American, 0.0033%; no homozygotes.

Submission:

Labcorp Genetics (formerly Invitae), Labcorp
Classification: Uncertain significance. Last evaluated: 2024-07-30. Review status: criteria provided, single submitter. Criteria: Invitae Variant Classification Sherloc (09022015). Collection method: clinical testing. Allele origin: germline.
Comment: This sequence change replaces asparagine, which is neutral and polar, with histidine, which is basic and polar, at codon 1023 of the POLE protein (p.Asn1023His). This variant is present in population databases (rs753010136, gnomAD 0.003%). This variant has not been reported in the literature in individuals affected with POLE-related conditions. Advanced modeling of protein sequence and biophysical properties (such as structural, functional, and spatial information, amino acid conservation, physicochemical variation, residue mobility, and thermodynamic stability) performed at Invitae indicates that this missense variant is not expected to disrupt POLE protein function with a negative predictive value of 80%. In summary, the available evidence is currently insufficient to determine the role of this variant in disease. Therefore, it has been classified as a Variant of Uncertain Significance.

NM_006231.4(POLE):c.3067A>C (p.Asn1023His)

Gene: POLE (DNA polymerase epsilon, catalytic subunit; minus strand). Cytogenetic location: 12q24.33.
Variant type: single nucleotide variant.
Coding change: c.3067A>C on transcript NM_006231.4 (MANE Select); coding-DNA position 3067, A replaced by C.
Protein change: p.Asn1023His; replaces asparagine 1023 with histidine.
Molecular consequence: missense variant.
Genome position (GRCh38, 1-based): chr12:132,659,503, T>G on the plus strand (A>C on the coding strand, the complement: POLE is on the minus strand). VCF-style: chr12-132659503-T-G. GRCh37 (hg19) VCF-style: chr12-133236089-T-G.
Other names: short protein forms N1023H.
Identifiers: ClinVar variation 3714054 (VCV003714054.2).
Genomic context (GRCh38, chr12:132,659,503, plus strand): 5'-GCTTCCGAGACATGGAACGGTTCTCAGAGATGAGCTCGAATAGCTCAGAGTCAGGCATGT[T>G]GGCTGCCTAGAGAAAGACAATGGGTAAAACACTGCAGAAATCAAGGGGCAGAGTCTGAGC-3'
Protein context (NP_006222.2, residues 1013-1033): WLDVLYSKAA[Asn1023His]MPDSELFELI